The following is an entry in ClinVar:

ClinVar aggregate classification (germline): Pathogenic (1 of 4 stars; one submission).

Conditions:
Hereditary spastic paraplegia 15 (SPG15). Also called: SPASTIC PARAPLEGIA 15, AUTOSOMAL RECESSIVE; KJELLIN SYNDROME; SPASTIC PARAPLEGIA AND RETINAL DEGENERATION. Identifiers: Orphanet 100996, MedGen C1849128, MONDO:0010044, OMIM 270700.

Submission:

Myriad Genetics, Inc.
Classification: Pathogenic for Hereditary spastic paraplegia 15. Last evaluated: 2025-05-09. Review status: criteria provided, single submitter. Criteria: Myriad Autosomal Dominant, Autosomal Recessive and X-Linked Classification Criteria (2023). Collection method: clinical testing. Allele origin: unknown.
Comment: NM_015346.3(ZFYVE26):c.6750C>G(Y2250*) is expected to be pathogenic in the context of spastic paraplegia type 15. This variant is predicted to lead to an abnormal or absent protein product due to the creation of a premature termination codon in ZFYVE26, a gene where loss-of-function variants are known to be pathogenic. Please note: this variant was assessed in the context of healthy population screening.

NM_015346.4(ZFYVE26):c.6750C>G (p.Tyr2250Ter)

Gene: ZFYVE26 (zinc finger FYVE-type containing 26; minus strand). Cytogenetic location: 14q24.1.
Variant type: single nucleotide variant.
Coding change: c.6750C>G on transcript NM_015346.4 (MANE Select); coding-DNA position 6750, C replaced by G.
Protein change: p.Tyr2250Ter; replaces tyrosine 2250 with a stop codon.
Molecular consequence: nonsense.
Genome position (GRCh38, 1-based): chr14:67,755,984, G>C on the plus strand (C>G on the coding strand, the complement: ZFYVE26 is on the minus strand). VCF-style: chr14-67755984-G-C. GRCh37 (hg19) VCF-style: chr14-68222701-G-C.
Other names: short protein forms Y2250*.
Identifiers: ClinVar variation 5014410 (VCV005014410.1).